The following is an entry in ClinVar:

ClinVar aggregate classification (germline): Likely pathogenic (1 of 4 stars; one submission).

Conditions:
Developmental and epileptic encephalopathy, 8 (DEE8). Also called: HYPEREKPLEXIA AND EPILEPSY. Identifiers: Orphanet 163985, Orphanet 2076, MedGen C1845102, MONDO:0010375, OMIM 300607.

Submission:

3billion
Classification: Likely pathogenic for Developmental and epileptic encephalopathy, 8. Last evaluated: 2023-02-23. Review status: criteria provided, single submitter. Criteria: ACMG Guidelines, 2015. Collection method: clinical testing. Allele origin: unknown. Affected: yes.
Comment: The variant is not observed in the gnomAD v2.1.1 dataset. This variant was predicted to alter splicing and result in a loss or disruption of normal protein function. Multiple pathogenic loss-of-function variants are reported downstream of the variant. Therefore, this variant is classified as Likely pathogenic according to the recommendation of ACMG/AMP guideline.

NM_001353921.2(ARHGEF9):c.30+1G>A

Gene: ARHGEF9 (Cdc42 guanine nucleotide exchange factor 9; minus strand). Cytogenetic location: Xq11.1.
Variant type: single nucleotide variant.
Coding change: c.30+1G>A on transcript NM_001353921.2 (MANE Select); the canonical splice donor site of the intron after coding-DNA position 30, G replaced by A.
Molecular consequence: splice donor variant.
Genome position (GRCh38, 1-based): chrX:63,785,115, C>T on the plus strand (G>A on the coding strand, the complement: ARHGEF9 is on the minus strand). VCF-style: chrX-63785115-C-T. GRCh37 (hg19) VCF-style: chrX-63004995-C-T.
Other names: c.30+1G>A (NM_001173479.2, NM_001353922.2); c.-132+1G>A (NM_001369043.1, NM_001330495.2).
Identifiers: ClinVar variation 2444118 (VCV002444118.1), dbSNP rs2520345214, ClinGen allele CA413405821.